The following is an entry in ClinVar:

ClinVar aggregate classification (germline): Uncertain significance (1 of 4 stars; one submission).

Conditions:
Congenital disorder of glycosylation, type Iaa. Also called: Congenital disorder of glycosylation, type 1aa. Identifiers: MedGen C4310727, MONDO:0014904, OMIM 617082.

Submission:

Labcorp Genetics (formerly Invitae), Labcorp
Classification: Uncertain significance for Congenital disorder of glycosylation, type Iaa. Last evaluated: 2023-04-11. Review status: criteria provided, single submitter. Criteria: Invitae Variant Classification Sherloc (09022015). Collection method: clinical testing. Allele origin: germline.
Comment: In summary, the available evidence is currently insufficient to determine the role of this variant in disease. Therefore, it has been classified as a Variant of Uncertain Significance. An algorithm developed to predict the effect of missense changes on protein structure and function (PolyPhen-2) suggests that this variant is likely to be tolerated. This variant has not been reported in the literature in individuals affected with NUS1-related conditions. This variant is not present in population databases (gnomAD no frequency). This sequence change replaces alanine, which is neutral and non-polar, with proline, which is neutral and non-polar, at codon 227 of the NUS1 protein (p.Ala227Pro).

NM_138459.5(NUS1):c.679G>C (p.Ala227Pro)

Gene: NUS1 (NUS1 dehydrodolichyl diphosphate synthase subunit; plus strand). Cytogenetic location: 6q22.1.
Variant type: single nucleotide variant.
Coding change: c.679G>C on transcript NM_138459.5 (MANE Select); coding-DNA position 679, G replaced by C.
Protein change: p.Ala227Pro; replaces alanine 227 with proline.
Molecular consequence: missense variant.
Genome position (GRCh38, 1-based): chr6:117,694,168, G>C. VCF-style: chr6-117694168-G-C. GRCh37 (hg19) VCF-style: chr6-118015331-G-C.
Other names: short protein forms A227P.
Identifiers: ClinVar variation 2906610 (VCV002906610.3), dbSNP rs2482016216, ClinGen allele CA365537203.